The following is an entry in ClinVar:

NM_020822.3(KCNT1):c.889G>A (p.Glu297Lys)

Gene: KCNT1 (potassium sodium-activated channel subfamily T member 1; plus strand). Cytogenetic location: 9q34.3.
Variant type: single nucleotide variant.
Coding change: c.889G>A on transcript NM_020822.3 (MANE Select); coding-DNA position 889, G replaced by A.
Protein change: p.Glu297Lys; replaces glutamic acid 297 with lysine.
Molecular consequence: missense variant.
Genome position (GRCh38, 1-based): chr9:135,759,713, G>A. VCF-style: chr9-135759713-G-A. GRCh37 (hg19) VCF-style: chr9-138651559-G-A.
Other names: c.754G>A, p.Glu252Lys (NM_001272003.2); short protein forms E297K, E252K.
Identifiers: ClinVar variation 193922 (VCV000193922.45), dbSNP rs146070496, ClinGen allele CA239655.

ClinVar aggregate classification (germline): Conflicting classifications of pathogenicity. Review status: criteria provided, conflicting classifications (1 of 4 stars). 5 submissions from 5 submitters: Uncertain significance (4); Likely benign (1). Last evaluated 2025-06-29.

Conditions:
Inborn genetic diseases. Identifiers: MedGen C0950123, MeSH D030342.
Developmental and epileptic encephalopathy, 14 (DEE14). Also called: Early infantile epileptic encephalopathy 14. Identifiers: Orphanet 293181, MedGen C3554195, MONDO:0013989, OMIM 614959.
Autosomal dominant nocturnal frontal lobe epilepsy 5. Also called: CILIARY DYSKINESIA, PRIMARY, 28, WITHOUT SITUS INVERSUS; Epilepsy, nocturnal frontal lobe, 5; KCNT1-Related Epilepsy; CILIARY DYSKINESIA, PRIMARY, 28, WITH SITUS INVERSUS. Identifiers: Orphanet 98784, MedGen C3554306, MONDO:0014002, OMIM 615005.

Allele frequency attached by ClinVar (database versions not stated): ExAC 0.00002; gnomAD 0.00002; gnomAD exomes 0.00002 and 0.00005; TOPMed 0.00002; ESP Exome Variant Server 0.00008.
gnomAD v4.1: 78 of 1,612,722 alleles (0.0048%); highest among the groups gnomAD compares: Non-Finnish European, 0.0064%; no homozygotes.

Submissions (5):

Labcorp Genetics (formerly Invitae), Labcorp
Classification: Likely benign for Autosomal dominant nocturnal frontal lobe epilepsy 5; Developmental and epileptic encephalopathy, 14. Last evaluated: 2025-06-29. Review status: criteria provided, single submitter. Criteria: Invitae Variant Classification Sherloc (09022015). Collection method: clinical testing. Allele origin: germline.

CeGaT Center for Human Genetics Tuebingen
Classification: Uncertain significance. Last evaluated: 2023-06-01. Review status: criteria provided, single submitter. Criteria: CeGaT Center For Human Genetics Tuebingen Variant Classification Criteria Version 2. Collection method: clinical testing. Allele origin: germline. Affected: yes. Observed: 1 variant allele.

Fulgent Genetics
Classification: Uncertain significance for Developmental and epileptic encephalopathy, 14; Autosomal dominant nocturnal frontal lobe epilepsy 5. Last evaluated: 2018-10-31. Review status: criteria provided, single submitter. Criteria: ACMG Guidelines, 2015. Collection method: clinical testing. Allele origin: unknown.

Ambry Genetics
Classification: Uncertain significance for Inborn genetic diseases. Last evaluated: 2018-02-14. Review status: criteria provided, single submitter. Criteria: Ambry Variant Classification Scheme 2023. Collection method: clinical testing. Allele origin: germline.
Comment: The p.E297K variant (also known as c.889G>A), located in coding exon 11 of the KCNT1 gene, results from a G to A substitution at nucleotide position 889. The glutamic acid at codon 297 is replaced by lysine, an amino acid with similar properties. This amino acid position is not well conserved in available vertebrate species. In addition, the in silico prediction for this alteration is inconclusive. Since supporting evidence is limited at this time, the clinical significance of this alteration remains unclear.

Eurofins Ntd Llc (ga)
Classification: Uncertain significance. Last evaluated: 2014-06-10. Review status: criteria provided, single submitter. Criteria: EGL Classification Definitions 2015. Collection method: clinical testing. Allele origin: germline. Observed: 2 variant alleles, 2 heterozygotes.